The following is an entry in ClinVar:

NM_006208.3(ENPP1):c.*735A>G

Gene: ENPP1 (ectonucleotide pyrophosphatase/phosphodiesterase 1; plus strand). Cytogenetic location: 6q23.2.
Variant type: single nucleotide variant.
Coding change: c.*735A>G on transcript NM_006208.3 (MANE Select); 735 bases downstream of the stop codon, A replaced by G.
Molecular consequence: 3 prime UTR variant.
Genome position (GRCh38, 1-based): chr6:131,891,246, A>G. VCF-style: chr6-131891246-A-G. GRCh37 (hg19) VCF-style: chr6-132212386-A-G.
Identifiers: ClinVar variation 355370 (VCV000355370.5), dbSNP rs12212882, ClinGen allele CA10622943.

ClinVar aggregate classification (germline): Benign. Review status: criteria provided, single submitter (1 of 4 stars). 2 submissions from 1 submitter: Benign (2). Last evaluated 2018-01-12.

Conditions:
Arterial calcification, generalized, of infancy, 1 (GACI1). Also called: Idiopathic Infantile Arterial Calcification. Identifiers: Orphanet 51608, MedGen C4551985, MONDO:0008817, OMIM 208000.
Hypophosphatemic rickets, autosomal recessive, 2 (ARHR2). Identifiers: Orphanet 289176, MedGen C2750078, MONDO:0013219, OMIM 613312.

Allele frequency attached by ClinVar (database versions not stated): 1000 Genomes Project 0.03734; 1000 Genomes Project 30x 0.03951; gnomAD 0.04359 and 0.04659.

Submissions (2):

Illumina Laboratory Services, Illumina
Classification: Benign for Arterial calcification, generalized, of infancy, 1. Last evaluated: 2018-01-12. Review status: criteria provided, single submitter. Criteria: ICSL Variant Classification Criteria 13 December 2019. Collection method: clinical testing. Allele origin: germline.
Comment: This variant was observed in the ICSL laboratory as part of a predisposition screen in an ostensibly healthy population. It had not been previously curated by ICSL or reported in the Human Gene Mutation Database (HGMD: prior to June 1st, 2018), and was therefore a candidate for classification through an automated scoring system. Utilizing variant allele frequency, disease prevalence and penetrance estimates, and inheritance mode, an automated score was calculated to assess if this variant is too frequent to cause the disease. Based on the score and internal cut-off values, a variant classified as benign is not then subjected to further curation. The score for this variant resulted in a classification of benign for this disease.

Illumina Laboratory Services, Illumina
Classification: Benign for Hypophosphatemic rickets, autosomal recessive, 2. Last evaluated: 2018-01-12. Review status: criteria provided, single submitter. Criteria: ICSL Variant Classification Criteria 13 December 2019. Collection method: clinical testing. Allele origin: germline.
Comment: the same text as in the submission from Illumina Laboratory Services, Illumina above.